The following is an entry in ClinVar:

ClinVar aggregate classification (germline): Pathogenic/Likely pathogenic. Review status: criteria provided, multiple submitters, no conflicts (2 of 4 stars). 5 submissions from 5 submitters: Pathogenic (4); Likely pathogenic (1). Last evaluated 2022-08-16.

Conditions:
RPGR-related disorder. Also called: RPGR-related condition.
Primary ciliary dyskinesia. Also called: Ciliary dyskinesia. Identifiers: Orphanet 244, MedGen C0008780, MONDO:0016575, HP:0012265.
Retinal dystrophy. Also called: Inherited retinal dystrophy. Identifiers: Orphanet 71862, MedGen C0854723, MeSH D058499, MONDO:0019118, HP:0000556.

Submissions (5):

Labcorp Genetics (formerly Invitae), Labcorp
Classification: Pathogenic for Primary ciliary dyskinesia. Last evaluated: 2022-08-16. Review status: criteria provided, single submitter. Criteria: Invitae Variant Classification Sherloc (09022015). Collection method: clinical testing. Allele origin: germline.
Comment: The frequency data for this variant in the population databases is considered unreliable, as metrics indicate insufficient coverage at this position in the gnomAD database. For these reasons, this variant has been classified as Pathogenic. This variant disrupts a region of the RPGR (ORF15) protein in which other variant(s) (p.Leu1130Lysfs*13) have been determined to be pathogenic (PMID: 22264887; Invitae). This suggests that this is a clinically significant region of the protein, and that variants that disrupt it are likely to be disease-causing. ClinVar contains an entry for this variant (Variation ID: 975119). This variant is also known as ORF15+1085_1086delGG (p.Glu362GlyfsX131). This premature translational stop signal has been observed in individual(s) with retinitis pigmentosa (PMID: 16969763). This sequence change creates a premature translational stop signal (p.Glu947Glyfs*131) in the RPGR (ORF15) gene. While this is not anticipated to result in nonsense mediated decay, it is expected to disrupt the last 206 amino acid(s) of the RPGR (ORF15) protein.

CeGaT Center for Human Genetics Tuebingen
Classification: Likely pathogenic. Last evaluated: 2022-08-01. Review status: criteria provided, single submitter. Criteria: CeGaT Center For Human Genetics Tuebingen Variant Classification Criteria Version 2. Collection method: clinical testing. Allele origin: germline. Affected: yes. Observed: 1 variant allele.
Comment: RPGR: PVS1:Strong, PM1, PM2, PP4

PreventionGenetics, part of Exact Sciences
Classification: Pathogenic. Last evaluated: 2022-03-15. Review status: criteria provided, single submitter. Criteria: ACMG Guidelines, 2015. Collection method: clinical testing. Allele origin: germline.

Blueprint Genetics
Classification: Pathogenic for RPGR-related disorders. Last evaluated: 2021-03-12. Review status: criteria provided, single submitter. Criteria: ACMG Guidelines, 2015. Collection method: clinical testing. Allele origin: germline. Affected: yes. Observed: 5 variant alleles.

Institute of Human Genetics, Univ. Regensburg, Univ. Regensburg
Classification: Pathogenic for Retinal dystrophy. Last evaluated: 2019-01-01. Review status: criteria provided, single submitter. Criteria: ACMG Guidelines, 2015. Collection method: clinical testing. Allele origin: germline. Affected: yes.

Literature cited by the submitters: PubMed 22264887 (cited by Labcorp Genetics (formerly Invitae), Labcorp); PubMed 16969763 (cited by Labcorp Genetics (formerly Invitae), Labcorp and Institute of Human Genetics, Univ. Regensburg, Univ. Regensburg); PubMed 349855 (cited by Institute of Human Genetics, Univ. Regensburg, Univ. Regensburg).

NM_001034853.2(RPGR):c.2838_2839del (p.Glu947fs)

Gene: RPGR (retinitis pigmentosa GTPase regulator; minus strand). Cytogenetic location: Xp11.4.
Variant type: Deletion.
Coding change: c.2838_2839del on transcript NM_001034853.2 (MANE Select); coding-DNA positions 2838 to 2839, 2 bases deleted (GG; older notation c.2838_2839delGG).
Protein change: p.Glu947fs; shifts the reading frame from glutamic acid 947.
Molecular consequence: frameshift variant. On other transcripts: intron variant (8).
Genome position (GRCh38, 1-based): chrX:38,286,160-38,286,161, CC deleted on the plus strand (GG on the coding strand, the reverse complement: RPGR is on the minus strand); deleting any 2 consecutive bases within chrX:38,286,160-38,286,163 gives the same sequence; the c. name uses the placement nearest the transcript's 3' end. VCF-style (leftmost placement, unchanged base first): chrX-38286159-TCC-T. GRCh37 (hg19) VCF-style: chrX-38145412-TCC-T.
Other names: c.1569+4798_1569+4799del (NM_001367249.1, NM_001367250.1); c.1902+933_1902+934del (NM_001367245.1); c.1386+4798_1386+4799del (NM_001367251.1); c.1719+933_1719+934del (NM_001367246.1); c.1572+4798_1572+4799del (NM_001367247.1); c.1905+933_1905+934del (NM_000328.3); c.1602+4798_1602+4799del (NM_001367248.1); short protein forms E947fs.
Identifiers: ClinVar variation 975119 (VCV000975119.39), dbSNP rs1555961509, ClinGen allele CA1139667415.